The following is an entry in ClinVar:

NM_000371.4(TTR):c.350C>A (p.Ala117Asp)

Gene: TTR (transthyretin; plus strand). Cytogenetic location: 18q12.1.
Variant type: single nucleotide variant.
Coding change: c.350C>A on transcript NM_000371.4 (MANE Select); coding-DNA position 350, C replaced by A.
Protein change: p.Ala117Asp; replaces alanine 117 with aspartic acid.
Molecular consequence: missense variant.
Genome position (GRCh38, 1-based): chr18:31,598,581, C>A. VCF-style: chr18-31598581-C-A. GRCh37 (hg19) VCF-style: chr18-29178544-C-A.
Other names: short protein forms A117D.
Identifiers: ClinVar variation 2057055 (VCV002057055.4), dbSNP rs121918087, ClinGen allele CA402158146.

ClinVar aggregate classification (germline): Likely pathogenic (1 of 4 stars; one submission).

Conditions:
Amyloidosis, hereditary systemic 1 (AMYLD1). Also called: Hereditary Transthyretin Amyloidosis; Familial amyloid polyneuropathy; Transthyretin Amyloidosis; AMYLOID CARDIOMYOPATHY; Hereditary oculoleptomeningeal amyloid angiopathy; Familial Transthyretin Amyloidosis. Identifiers: Orphanet 85447, Orphanet 85451, MedGen C2751492, MONDO:0971004, OMIM 105210.

Allele frequency attached by ClinVar (database versions not stated): gnomAD exomes below 0.00001.
gnomAD v4.1: 1 of 1,614,112 alleles (0.000062%); highest among the groups gnomAD compares: South Asian, 0.0011%; no homozygotes.

Submission:

Labcorp Genetics (formerly Invitae), Labcorp
Classification: Likely pathogenic for Amyloidosis, hereditary systemic 1. Last evaluated: 2022-11-01. Review status: criteria provided, single submitter. Criteria: Invitae Variant Classification Sherloc (09022015). Collection method: clinical testing. Allele origin: germline.
Comment: This sequence change replaces alanine, which is neutral and non-polar, with aspartic acid, which is acidic and polar, at codon 117 of the TTR protein (p.Ala117Asp). This variant is not present in population databases (gnomAD no frequency). In summary, the currently available evidence indicates that the variant is pathogenic, but additional data are needed to prove that conclusively. Therefore, this variant has been classified as Likely Pathogenic. This variant disrupts the p.Ala117 amino acid residue in TTR. Other variant(s) that disrupt this residue have been determined to be pathogenic (PMID: 10611950, 18022643, 20697105, 22412233, 23713495). This suggests that this residue is clinically significant, and that variants that disrupt this residue are likely to be disease-causing. Advanced modeling of protein sequence and biophysical properties (such as structural, functional, and spatial information, amino acid conservation, physicochemical variation, residue mobility, and thermodynamic stability) performed at Invitae indicates that this missense variant is expected to disrupt TTR protein function. This variant has not been reported in the literature in individuals affected with TTR-related conditions.

Literature cited by the submitters: PubMed 10611950; PubMed 18022643; PubMed 20697105; PubMed 22412233; PubMed 23713495.